The following is an entry in ClinVar:

NM_001372.4(DNAH9):c.3633G>C (p.Gln1211His)

Gene: DNAH9 (dynein axonemal heavy chain 9; plus strand). Cytogenetic location: 17p12.
Variant type: single nucleotide variant.
Coding change: c.3633G>C on transcript NM_001372.4 (MANE Select); coding-DNA position 3633, G replaced by C.
Protein change: p.Gln1211His; replaces glutamine 1211 with histidine.
Molecular consequence: missense variant.
Genome position (GRCh38, 1-based): chr17:11,680,779, G>C. VCF-style: chr17-11680779-G-C. GRCh37 (hg19) VCF-style: chr17-11584096-G-C.
Other names: short protein forms Q1211H.
Identifiers: ClinVar variation 2060997 (VCV002060997.4), dbSNP rs199713382, ClinGen allele CA398184602.

ClinVar aggregate classification (germline): Uncertain significance (1 of 4 stars; one submission).

Submission:

Labcorp Genetics (formerly Invitae), Labcorp
Classification: Uncertain significance. Last evaluated: 2023-12-07. Review status: criteria provided, single submitter. Criteria: Invitae Variant Classification Sherloc (09022015). Collection method: clinical testing. Allele origin: germline.
Comment: This sequence change replaces glutamine, which is neutral and polar, with histidine, which is basic and polar, at codon 1211 of the DNAH9 protein (p.Gln1211His). This variant is not present in population databases (gnomAD no frequency). This variant has not been reported in the literature in individuals affected with DNAH9-related conditions. ClinVar contains an entry for this variant (Variation ID: 2060997). Algorithms developed to predict the effect of missense changes on protein structure and function output the following: SIFT: "Not Available"; PolyPhen-2: "Benign"; Align-GVGD: "Not Available". The histidine amino acid residue is found in multiple mammalian species, which suggests that this missense change does not adversely affect protein function. In summary, the available evidence is currently insufficient to determine the role of this variant in disease. Therefore, it has been classified as a Variant of Uncertain Significance.